The following is an entry in ClinVar:

NM_000492.4(CFTR):c.1581A>G (p.Glu527=)

Genes: CFTR (CF transmembrane conductance regulator; plus strand), CFTR-AS1 (CFTR antisense RNA 1; minus strand). Cytogenetic location: 7q31.2.
Variant type: single nucleotide variant.
Coding change: c.1581A>G on transcript NM_000492.4 (MANE Select); coding-DNA position 1581, A replaced by G.
Protein change: p.Glu527=; no amino-acid change (glutamic acid 527 retained).
Molecular consequence: synonymous variant.
Genome position (GRCh38, 1-based): chr7:117,559,652, A>G. VCF-style: chr7-117559652-A-G. GRCh37 (hg19) VCF-style: chr7-117199706-A-G.
Other names: p.Glu527=.
Identifiers: ClinVar variation 35826 (VCV000035826.50), dbSNP rs1800094, ClinGen allele CA175542.

ClinVar aggregate classification (germline): Benign/Likely benign. Review status: criteria provided, multiple submitters, no conflicts (2 of 4 stars). 13 submissions from 13 submitters: Benign (8); Likely benign (4). 1 of the submissions does not count toward it. Last evaluated 2026-02-04.

Conditions:
CFTR-related disorder (CFTR-RD). Also called: CFTR-related condition; CFTR-related disorders. Identifiers: MedGen C5924204, MONDO:7770004.
Hereditary pancreatitis (PCTT). Also called: Hereditary chronic pancreatitis; PRSS1-Related Hereditary Pancreatitis. Identifiers: Orphanet 676, MedGen C0238339, MONDO:0008185, OMIM 167800.
Cystic fibrosis (CF). Also called: MUCOVISCIDOSIS. Identifiers: Orphanet 586, MedGen C0010674, MONDO:0009061, OMIM 219700. Disease mechanism: loss of function.

Allele frequency attached by ClinVar (database versions not stated): gnomAD exomes 0.00118 and 0.00045; ExAC 0.00149; 1000 Genomes Project 0.00379; gnomAD 0.00450 and 0.00491; TOPMed 0.00514; 1000 Genomes Project 30x 0.00406; ESP Exome Variant Server 0.00638.
gnomAD v4.1: 1,358 of 1,611,220 alleles (0.084%); highest among the groups gnomAD compares: African/African-American, 1.7%; 12 homozygotes.

Submissions (13):

Labcorp Genetics (formerly Invitae), Labcorp
Classification: Benign for Cystic fibrosis. Last evaluated: 2026-02-04. Review status: criteria provided, single submitter. Criteria: Invitae Variant Classification Sherloc (09022015). Collection method: clinical testing. Allele origin: germline.

ARUP Laboratories, Molecular Genetics and Genomics, ARUP Laboratories
Classification: Benign. Last evaluated: 2025-06-12. Review status: criteria provided, single submitter. Criteria: ARUP Molecular Germline Variant Investigation Process 2024. Collection method: clinical testing. Allele origin: germline.

Blueprint Genetics
Classification: Likely benign. Last evaluated: 2024-11-01. Review status: criteria provided, single submitter. Criteria: ACMG Guidelines, 2015. Collection method: clinical testing. Allele origin: germline.

Quest Diagnostics Nichols Institute San Juan Capistrano
Classification: Likely benign. Last evaluated: 2023-03-09. Review status: criteria provided, single submitter. Criteria: Quest Diagnostics criteria. Collection method: clinical testing. Allele origin: unknown.

Johns Hopkins Genomics, Johns Hopkins University
Classification: Benign for Cystic fibrosis. Last evaluated: 2023-03-05. Review status: criteria provided, single submitter. Criteria: ACMG Guidelines, 2015. Collection method: clinical testing. Allele origin: germline.

Mayo Clinic Laboratories, Mayo Clinic
Classification: Benign. Last evaluated: 2022-05-24. Review status: criteria provided, single submitter. Criteria: ACMG Guidelines, 2015. Collection method: clinical testing. Allele origin: germline. Observed: 27 variant alleles.
Comment: BS1, BS2, BP4, BP7

Illumina Laboratory Services, Illumina
Classification: Likely benign for CFTR-Related Disorders. Last evaluated: 2017-04-28. Review status: criteria provided, single submitter. Criteria: ICSL Variant Classification Criteria 13 December 2019. Collection method: clinical testing. Allele origin: germline.
Comment: This variant was observed as part of a predisposition screen in an ostensibly healthy population. A literature search was performed for the gene, cDNA change, and amino acid change (where applicable). Publications were found based on this search. The evidence from the literature, in combination with allele frequency data from public databases where available, was sufficient to determine this variant is unlikely to cause disease. Therefore, this variant is classified as likely benign.

Ambry Genetics
Classification: Benign for Cystic fibrosis. Last evaluated: 2014-06-12. Review status: criteria provided, single submitter. Criteria: Ambry Variant Classification Scheme 2023. Collection method: clinical testing. Allele origin: germline.

Laboratory for Molecular Medicine, Mass General Brigham Personalized Medicine
Classification: Benign. Last evaluated: 2013-02-21. Review status: criteria provided, single submitter. Criteria: LMM Criteria. Collection method: clinical testing. Allele origin: germline. Observed: 1 variant allele.
Comment: Glu527Glu in exon 11 of CFTR: This variant is not expected to have clinical sign ificance because it does not alter an amino acid residue and is not located with in the splice consensus sequence. It has been identified in 1.9% (82/4406) of Af rican American chromosomes from a broad population by the NHLBI Exome Sequencing Project (dbSNP rs1800094).

Women's Health and Genetics/Laboratory Corporation of America, LabCorp
Classification: Benign for heritable chronic pancreatitis. Last evaluated: 2011-08-18. Review status: criteria provided, single submitter. Criteria: LabCorp Variant Classification Summary - May 2015. Collection method: clinical testing. Allele origin: germline. Inheritance: autosomal unknown.
ClinVar note: Converted during submission from benign to Benign.

Breakthrough Genomics
Classification: Likely benign. Review status: criteria provided, single submitter. Criteria: ACMG Guidelines, 2015. Collection method: not provided. Allele origin: germline. Inheritance: Autosomal recessive inheritance. Affected: yes.

PreventionGenetics, part of Exact Sciences
Classification: Benign. Review status: criteria provided, single submitter. Criteria: ACMG Guidelines, 2015. Collection method: clinical testing. Allele origin: germline.

Natera, Inc.
Classification: Benign for CFTR-related disorders. Last evaluated: 2017-05-10. Review status: no assertion criteria provided. Collection method: clinical testing. Allele origin: germline. Not counted in ClinVar's aggregate classification.

Literature cited by the submitters: PubMed 9067754 (cited by Quest Diagnostics Nichols Institute San Juan Capistrano and Illumina Laboratory Services, Illumina); PubMed 1376017 (cited by 3 submitters); PubMed 1284534 (cited by Quest Diagnostics Nichols Institute San Juan Capistrano and Women's Health and Genetics/Laboratory Corporation of America, LabCorp); PubMed 23381846 (cited by Quest Diagnostics Nichols Institute San Juan Capistrano and Illumina Laboratory Services, Illumina); PubMed 19017867 (cited by Quest Diagnostics Nichols Institute San Juan Capistrano and Women's Health and Genetics/Laboratory Corporation of America, LabCorp).